The following is an entry in ClinVar:

NM_005173.4(ATP2A3):c.2352C>T (p.Pro784=)

Gene: ATP2A3 (ATPase sarcoplasmic/endoplasmic reticulum Ca2+ transporting 3; minus strand). Cytogenetic location: 17p13.2.
Variant type: single nucleotide variant.
Coding change: c.2352C>T on transcript NM_005173.4 (MANE Select); coding-DNA position 2352, C replaced by T.
Protein change: p.Pro784=; no amino-acid change (proline 784 retained).
Molecular consequence: synonymous variant.
Genome position (GRCh38, 1-based): chr17:3,936,439, G>A on the plus strand (C>T on the coding strand, the complement: ATP2A3 is on the minus strand). VCF-style: chr17-3936439-G-A. GRCh37 (hg19) VCF-style: chr17-3839733-G-A.
Other names: c.2352C>T, p.Pro784= (NM_174953.3, NM_174954.3, NM_174955.3 and 3 more transcripts).
Identifiers: ClinVar variation 3041599 (VCV003041599.7), dbSNP rs151095860, ClinGen allele CA8296884.

ClinVar aggregate classification (germline): Likely benign. Review status: criteria provided, single submitter (1 of 4 stars). 2 submissions from 2 submitters: Likely benign (1). 1 of the submissions does not count toward it. Last evaluated 2025-12-01.

Conditions:
ATP2A3-related disorder. Also called: ATP2A3-related condition.

Allele frequency attached by ClinVar (database versions not stated): ESP Exome Variant Server 0.00054; 1000 Genomes Project 0.00060; TOPMed 0.00073; gnomAD 0.00078; 1000 Genomes Project 30x 0.00094; ExAC 0.00119.
gnomAD v4.1: 1,729 of 1,614,044 alleles (0.11%); highest among the groups gnomAD compares: Middle Eastern, 0.63%; 9 homozygotes.

Submissions (2):

CeGaT Center for Human Genetics Tuebingen
Classification: Likely benign. Last evaluated: 2025-12-01. Review status: criteria provided, single submitter. Criteria: CeGaT Center For Human Genetics Tuebingen Variant Classification Criteria Version 2. Collection method: clinical testing. Allele origin: germline. Affected: yes. Observed: 1 variant allele.
Comment: ATP2A3: BS2

PreventionGenetics, part of Exact Sciences
Classification: Likely benign for ATP2A3-related condition. Last evaluated: 2019-05-11. Review status: no assertion criteria provided. Collection method: clinical testing. Allele origin: germline. Not counted in ClinVar's aggregate classification.
Comment: This variant is classified as likely benign based on ACMG/AMP sequence variant interpretation guidelines (Richards et al. 2015 PMID: 25741868, with internal and published modifications).